The following is an entry in ClinVar:

ClinVar aggregate classification (germline): Uncertain significance (1 of 4 stars; one submission).

Submission:

GeneDx
Classification: Uncertain significance. Last evaluated: 2021-03-30. Review status: criteria provided, single submitter. Criteria: GeneDx Variant Classification Process June 2021. Collection method: clinical testing. Allele origin: germline. Affected: yes.
Comment: Not observed in large population cohorts (Lek et al., 2016); In silico analysis supports that this missense variant has a deleterious effect on protein structure/function; Has not been previously published as pathogenic or benign to our knowledge

NM_006618.5(KDM5B):c.254C>A (p.Pro85Gln)

Gene: KDM5B (lysine demethylase 5B; minus strand). Cytogenetic location: 1q32.1.
Variant type: single nucleotide variant.
Coding change: c.254C>A on transcript NM_006618.5 (MANE Select); coding-DNA position 254, C replaced by A.
Protein change: p.Pro85Gln; replaces proline 85 with glutamine.
Molecular consequence: missense variant.
Genome position (GRCh38, 1-based): chr1:202,777,045, G>T on the plus strand (C>A on the coding strand, the complement: KDM5B is on the minus strand). VCF-style: chr1-202777045-G-T. GRCh37 (hg19) VCF-style: chr1-202746173-G-T.
Other names: c.254C>A, p.Pro85Gln (NM_001314042.2, NM_001347591.2); c.239C>A, p.Pro80Gln (NM_001399817.1); short protein forms P85Q, P80Q.
Identifiers: ClinVar variation 1314319 (VCV001314319.3), dbSNP rs2102304180, ClinGen allele CA344264528.